The following is an entry in ClinVar:

NM_201253.3(CRB1):c.2647del (p.Gln883fs)

Gene: CRB1 (crumbs cell polarity complex component 1; plus strand). Cytogenetic location: 1q31.3.
Variant type: Deletion.
Coding change: c.2647del on transcript NM_201253.3 (MANE Select); coding-DNA position 2647, one base deleted (C; older notation c.2647delC).
Protein change: p.Gln883fs; shifts the reading frame from glutamine 883.
Molecular consequence: frameshift variant. On other transcripts: non-coding transcript variant (2), intron variant (1).
Genome position (GRCh38, 1-based): chr1:197,427,972, C deleted; the last of 3 consecutive C bases (chr1:197,427,970-197,427,972); deleting any one gives the same sequence. VCF-style (leftmost placement, unchanged base first): chr1-197427969-AC-A. GRCh37 (hg19) VCF-style: chr1-197397099-AC-A.
Other names: c.2311del, p.Gln771fs (NM_001193640.2); c.2440del, p.Gln814fs (NM_001257965.2); c.2128+6016del (NM_001257966.2); short protein forms Q883fs, Q771fs, Q814fs.
Identifiers: ClinVar variation 1453581 (VCV001453581.6), dbSNP rs2125485467, ClinGen allele CA2573131448.
Genomic context (GRCh38, chr1:197,427,969, plus strand): 5'-CTGGAATTCTTTCCAAATCCAACAAACAATGCATCTCTCAATCCAGTTCTTGTCAATGTA[AC>A]CCAAGGCTGTGCTGGAGACAACAGCTGCAAGGTAATGATTACTCATACAAACTAGGTATA-3'

ClinVar aggregate classification (germline): Pathogenic (1 of 4 stars; one submission).

Conditions:
Retinitis pigmentosa 12 (RP12). Also called: RP WITH OR WITHOUT PPRPE; RP WITH OR WITHOUT PRESERVED PARAARTERIOLE RETINAL PIGMENT EPITHELIUM; RETINITIS PIGMENTOSA WITH OR WITHOUT PARAARTERIOLAR PRESERVATION OF RETINAL PIGMENT EPITHELIUM. Identifiers: Orphanet 791, MedGen C1838647, MONDO:0010818, OMIM 600105.
Leber congenital amaurosis 8 (LCA8). Identifiers: Orphanet 65, MedGen C3151202, MONDO:0013453, OMIM 613835.

Submission:

Labcorp Genetics (formerly Invitae), Labcorp
Classification: Pathogenic for Leber congenital amaurosis 8; Retinitis pigmentosa 12. Last evaluated: 2023-08-17. Review status: criteria provided, single submitter. Criteria: Invitae Variant Classification Sherloc (09022015). Collection method: clinical testing. Allele origin: germline.
Comment: For these reasons, this variant has been classified as Pathogenic. ClinVar contains an entry for this variant (Variation ID: 1453581). This variant has not been reported in the literature in individuals affected with CRB1-related conditions. This variant is not present in population databases (gnomAD no frequency). This sequence change creates a premature translational stop signal (p.Gln883Lysfs*105) in the CRB1 gene. It is expected to result in an absent or disrupted protein product. Loss-of-function variants in CRB1 are known to be pathogenic (PMID: 10508521, 22065545, 23379534, 25412400, 26957898, 28041643, 29391521).

Literature cited by the submitters: PubMed 10508521; PubMed 22065545; PubMed 23379534; PubMed 25412400; PubMed 26957898; PubMed 28041643; PubMed 29391521.